The following is an entry in ClinVar:

NM_020738.4(KIDINS220):c.4867A>G (p.Ser1623Gly)

Gene: KIDINS220 (kinase D interacting substrate 220; minus strand). Cytogenetic location: 2p25.1.
Variant type: single nucleotide variant.
Coding change: c.4867A>G on transcript NM_020738.4 (MANE Select); coding-DNA position 4867, A replaced by G.
Protein change: p.Ser1623Gly; replaces serine 1623 with glycine.
Molecular consequence: missense variant. On other transcripts: intron variant (6).
Genome position (GRCh38, 1-based): chr2:8,731,169, T>C on the plus strand (A>G on the coding strand, the complement: KIDINS220 is on the minus strand). VCF-style: chr2-8731169-T-C. GRCh37 (hg19) VCF-style: chr2-8871299-T-C.
Other names: c.4870A>G, p.Ser1624Gly (NM_001348729.2); c.4813A>G, p.Ser1605Gly (NM_001348731.2); c.4810A>G, p.Ser1604Gly (NM_001348732.2); c.4699A>G, p.Ser1567Gly (NM_001348734.2); c.4696A>G, p.Ser1566Gly (NM_001348735.2); c.4570A>G, p.Ser1524Gly (NM_001348736.2); c.3882+2275A>G (NM_001348741.2, NM_001348742.2, NM_001348743.2); c.3996+2275A>G (NM_001348738.2); and 1 more; short protein forms S1524G, S1566G, S1567G, S1604G, S1605G, S1623G, S1624G.
Identifiers: ClinVar variation 2499325 (VCV002499325.1), dbSNP rs2527395881, ClinGen allele CA345762647.
Genomic context (GRCh38, chr2:8,731,169, plus strand): 5'-TCCGAGCTATAATTGGATCTTGCAGGCCACTCAGGCTATGTGGGATTCCCCGCTTTCCGC[T>C]GTGACTGTCATCTTCCAGCTCTATGAGATTTGCCTTTTCAAGCTGGGAGTCATCCGCCAC-3'
Protein context (NP_065789.1, residues 1613-1633): NLIELEDDSH[Ser1623Gly]GKRGIPHSLS

ClinVar aggregate classification (germline): Uncertain significance (1 of 4 stars; one submission).

Submission:

GeneDx
Classification: Uncertain significance. Last evaluated: 2022-10-12. Review status: criteria provided, single submitter. Criteria: GeneDx Variant Classification Process June 2021. Collection method: clinical testing. Allele origin: germline. Affected: yes.
Comment: Not observed at significant frequency in large population cohorts (gnomAD); In silico analysis supports that this missense variant does not alter protein structure/function; Has not been previously published as pathogenic or benign to our knowledge